The following is an entry in ClinVar:

ClinVar aggregate classification (germline): Uncertain significance (1 of 4 stars; one submission).

Conditions:
Majeed syndrome (MJDS). Also called: LPIN2-Related Majeed Syndrome; CHRONIC RECURRENT MULTIFOCAL OSTEOMYELITIS 1, WITH CONGENITAL DYSERYTHROPOIETIC ANEMIA, WITH OR WITHOUT NEUTROPHILIC DERMATOSIS. Identifiers: Orphanet 77297, MedGen C1864997, MONDO:0012316, OMIM 609628.

Submission:

Labcorp Genetics (formerly Invitae), Labcorp
Classification: Uncertain significance for Majeed syndrome. Last evaluated: 2022-10-04. Review status: criteria provided, single submitter. Criteria: Invitae Variant Classification Sherloc (09022015). Collection method: clinical testing. Allele origin: germline.
Comment: In summary, the available evidence is currently insufficient to determine the role of this variant in disease. Therefore, it has been classified as a Variant of Uncertain Significance. Advanced modeling of protein sequence and biophysical properties (such as structural, functional, and spatial information, amino acid conservation, physicochemical variation, residue mobility, and thermodynamic stability) performed at Invitae indicates that this missense variant is expected to disrupt LPIN2 protein function. ClinVar contains an entry for this variant (Variation ID: 1398660). This variant has not been reported in the literature in individuals affected with LPIN2-related conditions. This variant is not present in population databases (gnomAD no frequency). This sequence change replaces proline, which is neutral and non-polar, with leucine, which is neutral and non-polar, at codon 783 of the LPIN2 protein (p.Pro783Leu).

NM_001375808.2(LPIN2):c.2348C>T (p.Pro783Leu)

Gene: LPIN2 (lipin 2; minus strand). Cytogenetic location: 18p11.31.
Variant type: single nucleotide variant.
Coding change: c.2348C>T on transcript NM_001375808.2 (MANE Select); coding-DNA position 2348, C replaced by T.
Protein change: p.Pro783Leu; replaces proline 783 with leucine.
Molecular consequence: missense variant.
Genome position (GRCh38, 1-based): chr18:2,921,627, G>A on the plus strand (C>T on the coding strand, the complement: LPIN2 is on the minus strand). VCF-style: chr18-2921627-G-A. GRCh37 (hg19) VCF-style: chr18-2921625-G-A.
Other names: c.2348C>T, p.Pro783Leu (NM_001375809.1, NM_014646.2); short protein forms P783L.
Identifiers: ClinVar variation 1398660 (VCV001398660.8), dbSNP rs2144116602, ClinGen allele CA401696073.
Genomic context (GRCh38, chr18:2,921,627, plus strand): 5'-TGCTTAGACGGGGCAAACAGATTCTTGATATCATTTAGACACTCAATTTTGAACTTCTCT[G>A]GTTTCTTTTCTATCACTTCTCTAAGAAAAAAATACAAATACAATCACCAATCTCAAAATG-3'
Protein context (NP_001362737.1, residues 773-793): AFHREVIEKK[Pro783Leu]EKFKIECLND